The following is an entry in ClinVar:

NM_001101.5(ACTB):c.1114C>T (p.Arg372Cys)

Gene: ACTB (actin beta; minus strand). Cytogenetic location: 7p22.1.
Variant type: single nucleotide variant.
Coding change: c.1114C>T on transcript NM_001101.5 (MANE Select); coding-DNA position 1114, C replaced by T.
Protein change: p.Arg372Cys; replaces arginine 372 with cysteine.
Molecular consequence: missense variant.
Genome position (GRCh38, 1-based): chr7:5,527,762, G>A on the plus strand (C>T on the coding strand, the complement: ACTB is on the minus strand). VCF-style: chr7-5527762-G-A. GRCh37 (hg19) VCF-style: chr7-5567393-G-A.
Other names: short protein forms R372C.
Identifiers: ClinVar variation 3903341 (VCV003903341.3).

ClinVar aggregate classification (germline): Uncertain significance. Review status: criteria provided, multiple submitters, no conflicts (2 of 4 stars). 2 submissions from 2 submitters: Uncertain significance (2). Last evaluated 2026-03-11.

Submissions (2):

Women's Health and Genetics/Laboratory Corporation of America, LabCorp
Classification: Uncertain significance. Last evaluated: 2026-03-11. Review status: criteria provided, single submitter. Criteria: LabCorp Variant Classification Summary - May 2015. Collection method: clinical testing. Allele origin: germline.
Comment: Variant summary: ACTB c.1114C>T (p.Arg372Cys) results in a non-conservative amino acid change in the encoded protein sequence. Algorithms developed to predict the effect of missense changes on protein structure and function all suggest that this variant is likely to be disruptive. The frequency data for this variant in gnomAD is considered unreliable, as metrics indicate poor data quality at this position. To our knowledge, no occurrence of c.1114C>T in individuals affected with ACTB-related conditions and no experimental evidence demonstrating its impact on protein function have been reported. No submitters have cited clinical-significance assessments for this variant to ClinVar. Based on the evidence outlined above, the variant was classified as uncertain significance.

GeneDx
Classification: Uncertain significance. Last evaluated: 2025-08-11. Review status: criteria provided, single submitter. Criteria: GeneDx Variant Classification Process June 2021. Collection method: clinical testing. Allele origin: germline.
Comment: Identified in an unaffected individual included in a large exome sequencing study of patients with autism spectrum disorder in published literature (PMID: 31981491); In silico analysis supports that this missense variant has a deleterious effect on protein structure/function; Missense variants in this gene are a common cause of disease and they are underrepresented in the general population; This variant is associated with the following publications: (PMID: 31981491)